The following is an entry in ClinVar:

NM_000038.6(APC):c.6937G>A (p.Ala2313Thr)

Gene: APC (APC regulator of Wnt signaling pathway; plus strand). Cytogenetic location: 5q22.2.
Variant type: single nucleotide variant.
Coding change: c.6937G>A on transcript NM_000038.6 (MANE Select); coding-DNA position 6937, G replaced by A.
Protein change: p.Ala2313Thr; replaces alanine 2313 with threonine.
Molecular consequence: missense variant.
Genome position (GRCh38, 1-based): chr5:112,842,531, G>A. VCF-style: chr5-112842531-G-A. GRCh37 (hg19) VCF-style: chr5-112178228-G-A.
Other names: c.6937G>A, p.Ala2313Thr (NM_001127510.3, NM_001354895.2); c.6883G>A, p.Ala2295Thr (NM_001127511.3); c.6991G>A, p.Ala2331Thr (NM_001354896.2); c.6967G>A, p.Ala2323Thr (NM_001354897.2); c.6862G>A, p.Ala2288Thr (NM_001354898.2); c.6853G>A, p.Ala2285Thr (NM_001354899.2); c.6814G>A, p.Ala2272Thr (NM_001354900.2); c.6760G>A, p.Ala2254Thr (NM_001354901.2); and 5 more; short protein forms A2030T, A2153T, A2187T, A2212T, A2222T, A2254T, A2272T, A2285T.
Identifiers: ClinVar variation 1056421 (VCV001056421.11), dbSNP rs1028675068, ClinGen allele CA16036459.

ClinVar aggregate classification (germline): Uncertain significance. Review status: criteria provided, multiple submitters, no conflicts (2 of 4 stars). 2 submissions from 2 submitters: Uncertain significance (2). Last evaluated 2023-10-17.

Conditions:
Familial adenomatous polyposis 1 (FAP1). Also called: FAMILIAL ADENOMATOUS POLYPOSIS 1, ATTENUATED; POLYPOSIS, ADENOMATOUS INTESTINAL. Identifiers: MedGen C2713442, MONDO:0021056, OMIM 175100. Disease mechanism: loss of function.

Submissions (2):

Baylor Genetics
Classification: Uncertain significance for Familial adenomatous polyposis 1. Last evaluated: 2023-10-17. Review status: criteria provided, single submitter. Criteria: ACMG Guidelines, 2015. Collection method: clinical testing. Allele origin: unknown.

Labcorp Genetics (formerly Invitae), Labcorp
Classification: Uncertain significance for Familial adenomatous polyposis 1. Last evaluated: 2022-12-01. Review status: criteria provided, single submitter. Criteria: Invitae Variant Classification Sherloc (09022015). Collection method: clinical testing. Allele origin: germline.
Comment: This sequence change replaces alanine, which is neutral and non-polar, with threonine, which is neutral and polar, at codon 2313 of the APC protein (p.Ala2313Thr). This variant is not present in population databases (gnomAD no frequency). In summary, the available evidence is currently insufficient to determine the role of this variant in disease. Therefore, it has been classified as a Variant of Uncertain Significance. Advanced modeling of protein sequence and biophysical properties (such as structural, functional, and spatial information, amino acid conservation, physicochemical variation, residue mobility, and thermodynamic stability) performed at Invitae indicates that this missense variant is not expected to disrupt APC protein function. ClinVar contains an entry for this variant (Variation ID: 1056421). This variant has not been reported in the literature in individuals affected with APC-related conditions.